The following is an entry in ClinVar:

ClinVar aggregate classification (germline): Uncertain significance (1 of 4 stars; one submission).

Submission:

Labcorp Genetics (formerly Invitae), Labcorp
Classification: Uncertain significance. Last evaluated: 2022-06-13. Review status: criteria provided, single submitter. Criteria: Invitae Variant Classification Sherloc (09022015). Collection method: clinical testing. Allele origin: germline.
Comment: This sequence change replaces leucine, which is neutral and non-polar, with proline, which is neutral and non-polar, at codon 722 of the CDH3 protein (p.Leu722Pro). This variant is not present in population databases (gnomAD no frequency). In summary, the available evidence is currently insufficient to determine the role of this variant in disease. Therefore, it has been classified as a Variant of Uncertain Significance. Algorithms developed to predict the effect of missense changes on protein structure and function are either unavailable or do not agree on the potential impact of this missense change (SIFT: "Not Available"; PolyPhen-2: "Probably Damaging"; Align-GVGD: "Not Available"). This variant has not been reported in the literature in individuals affected with CDH3-related conditions.

NM_001793.6(CDH3):c.2165T>C (p.Leu722Pro)

Gene: CDH3 (cadherin 3; plus strand). Cytogenetic location: 16q22.1.
Variant type: single nucleotide variant.
Coding change: c.2165T>C on transcript NM_001793.6 (MANE Select); coding-DNA position 2165, T replaced by C.
Protein change: p.Leu722Pro; replaces leucine 722 with proline.
Molecular consequence: missense variant.
Genome position (GRCh38, 1-based): chr16:68,695,808, T>C. VCF-style: chr16-68695808-T-C. GRCh37 (hg19) VCF-style: chr16-68729711-T-C.
Other names: c.2165T>C, p.Leu722Pro (NM_001317195.3); c.2000T>C, p.Leu667Pro (NM_001317196.2); short protein forms L667P, L722P.
Identifiers: ClinVar variation 2005857 (VCV002005857.4), dbSNP rs2543767719, ClinGen allele CA396456219.
Genomic context (GRCh38, chr16:68,695,808, plus strand): 5'-GTCACCTGCTCTCCTGCATTTCCCCACAGGACTATGACATCACCCAGCTCCACCGAGGTC[T>C]GGAGGCCAGGCCGGAGGTGGTTCTCCGCAATGACGTGGCACCAACCATCATCCCGACACC-3'
Protein context (NP_001784.2, residues 712-732): DYDITQLHRG[Leu722Pro]EARPEVVLRN